The following is an entry in ClinVar:

ClinVar aggregate classification (germline): Pathogenic. Review status: criteria provided, multiple submitters, no conflicts (2 of 4 stars). 18 submissions from 18 submitters: Pathogenic (16). 2 of the submissions do not count toward it. Last evaluated 2025-11-20.

Conditions:
PALB2-related cancer predisposition. Identifiers: MedGen CN377761, MONDO:0700272.
Breast-ovarian cancer, familial, susceptibility to, 5 (BROVCA5). Identifiers: MedGen C5830615, MONDO:0957530, OMIM 620442.
Fanconi anemia complementation group N. Also called: PALB2-Related Fanconi Anemia. Identifiers: Orphanet 84, MedGen C1835817, MONDO:0012565, OMIM 610832. Disease mechanism: loss of function.
Pancreatic cancer, susceptibility to, 3. Identifiers: Orphanet 1333, MedGen C3150547, MONDO:0013236, OMIM 613348.
Breast and/or ovarian cancer. Identifiers: MedGen CN221562.
Hereditary cancer-predisposing syndrome. Also called: Neoplastic Syndromes, Hereditary; Hereditary Cancer Syndrome; Tumor predisposition; Hereditary neoplastic syndrome. Identifiers: Orphanet 140162, MedGen C0027672, MeSH D009386, MONDO:0015356.
Familial cancer of breast. Also called: hereditary breast carcinoma; BREAST CANCER, FAMILIAL; Hereditary breast cancer. Identifiers: Orphanet 227535, MedGen C0346153, MONDO:0016419, OMIM 114480. Disease mechanism: loss of function.

Allele frequency attached by ClinVar (database versions not stated): gnomAD exomes below 0.00001; gnomAD 0.00001; TOPMed 0.00001.
gnomAD v4.1: 3 of 1,614,024 alleles (0.00019%); highest among the groups gnomAD compares: East Asian, 0.0022%; no homozygotes.

Submissions 1 to 13 of 18:

Labcorp Genetics (formerly Invitae), Labcorp
Classification: Pathogenic for Familial cancer of breast. Last evaluated: 2025-11-20. Review status: criteria provided, single submitter. Criteria: Invitae Variant Classification Sherloc (09022015). Collection method: clinical testing. Allele origin: germline.
Comment: This sequence change creates a premature translational stop signal (p.Gln251*) in the PALB2 gene. It is expected to result in an absent or disrupted protein product. Loss-of-function variants in PALB2 are known to be pathogenic (PMID: 17200668, 17200671, 17200672, 24136930, 25099575). This variant is not present in population databases (gnomAD no frequency). This premature translational stop signal has been observed in individual(s) with breast cancer (PMID: 18446436, 26541979, 26720728, 28724667, 28825143). ClinVar contains an entry for this variant (Variation ID: 126767). For these reasons, this variant has been classified as Pathogenic.

Ambry Genetics
Classification: Pathogenic for Hereditary cancer-predisposing syndrome. Last evaluated: 2025-10-24. Review status: criteria provided, single submitter. Criteria: Ambry Variant Classification Scheme 2023. Collection method: clinical testing. Allele origin: germline.
Comment: The p.Q251* pathogenic mutation (also known as c.751C>T), located in coding exon 4 of the PALB2 gene, results from a C to T substitution at nucleotide position 751. This changes the amino acid from a glutamine to a stop codon within coding exon 4. This variant is considered to be rare based on population cohorts in the Genome Aggregation Database (gnomAD). This alteration is expected to result in loss of function by premature protein truncation or nonsense-mediated mRNA decay. As such, this alteration is interpreted as a disease-causing mutation.

Color Diagnostics, LLC DBA Color Health
Classification: Pathogenic for Hereditary cancer-predisposing syndrome. Last evaluated: 2025-09-22. Review status: criteria provided, single submitter. Criteria: ACMG Guidelines, 2015. Collection method: clinical testing. Allele origin: germline.
Comment: This variant changes 1 nucleotide in exon 4 of the PALB2 gene, creating a premature translation stop signal. This variant is expected to result in an absent or non-functional protein product. This variant has been reported in case reports and case-control studies in at least 20 individuals affected with breast or ovarian cancer (PMID: 18446436, 26541979, 26720728, 28724667, 28825143, 30720863, 32339256, 33646313). In the largest breast cancer case-control study, the variant was reported as the most frequent PALB2 pathogenic variant in 17/16501 cases and in 4/5890 unaffected controls (PMID: 32339256). This variant has been identified in 3/1614024 chromosomes in the general population by the Genome Aggregation Database (gnomAD). Loss of PALB2 function is a known mechanism of disease. Based on the available evidence, this variant is classified as Pathogenic.

GeneDx
Classification: Pathogenic. Last evaluated: 2025-02-04. Review status: criteria provided, single submitter. Criteria: GeneDx Variant Classification Process June 2021. Collection method: clinical testing. Allele origin: germline. Affected: yes.
Comment: Nonsense variant predicted to result in protein truncation or nonsense mediated decay in a gene for which loss of function is a known mechanism of disease; Not observed at significant frequency in large population cohorts (gnomAD); Truncating variants in this gene are considered pathogenic by a well-established clinical consortium and/or database; This variant is associated with the following publications: (PMID: 20858716, 28825143, 22052327, 26720728, 33646313, 38642551, 19763819, 23935381, 26541979, 23977390, 23318652, 20346647, 19264984, 25525159, 21165770, 22006311, 18446436, 29478780, 26845104, 28724667, 30720863, 32029870, 31636395, 32339256, 34567246, 33047316, 36655350, 36113475)

Institute of Human Genetics, Heidelberg University
Classification: Pathogenic for Breast-ovarian cancer, familial, susceptibility to, 5. Last evaluated: 2024-09-20. Review status: criteria provided, single submitter. Criteria: ACMG Guidelines, 2015. Collection method: clinical testing. Allele origin: maternal.
Comment: secondary finding

Institute for Genomic Medicine (IGM) Clinical Laboratory, Nationwide Children's Hospital
Classification: Pathogenic for PALB2-related cancer predisposition. Last evaluated: 2024-08-13. Review status: criteria provided, single submitter. Criteria: ACMG Guidelines, 2015. Collection method: clinical testing. Allele origin: germline.
Comment: This variant is predicted to result in loss of function through nonsense-mediated decay of the encoded transcript or premature truncation of the encoded protein in a gene in which loss of function is a known mechanism of disease (ACMG/AMP: PVS1; PMIDs:24136930, 25099575, 31206626, 31841383). This variant has been reported at an elevated frequency in affected individuals/in multiple affected individuals in the literature (ACMG/AMP: PS4; PMIDs:28825143, 18446436, 26720728, 28724667, 26541979). This variant is absent from or present at an exceedingly low frequency in gnomAD, a large-scale control population database (ACMG/AMP: PM2).

CHEO Genetics Diagnostic Laboratory, Children's Hospital of Eastern Ontario
Classification: Pathogenic for Breast and/or ovarian cancer. Last evaluated: 2023-06-22. Review status: criteria provided, single submitter. Criteria: ACMG Guidelines, 2015. Collection method: clinical testing. Allele origin: germline.

Baylor Genetics
Classification: Pathogenic for Familial cancer of breast. Last evaluated: 2023-05-10. Review status: criteria provided, single submitter. Criteria: ACMG Guidelines, 2015. Collection method: clinical testing. Allele origin: unknown.

Myriad Genetics, Inc.
Classification: Pathogenic for Familial cancer of breast. Last evaluated: 2023-03-31. Review status: criteria provided, single submitter. Criteria: Myriad Autosomal Dominant, Autosomal Recessive and X-Linked Classification Criteria (2023). Collection method: clinical testing. Allele origin: unknown.
Comment: This variant is considered pathogenic. This variant creates a termination codon and is predicted to result in premature protein truncation.

New York Genome Center
Classification: Pathogenic for Familial cancer of breast. Last evaluated: 2022-06-17. Review status: criteria provided, single submitter. Criteria: NYGC Assertion Criteria 2020. Collection method: clinical testing. Allele origin: inherited. Observed: 1 heterozygote. Study: PrenatalSEQ.
Comment: The c.751C>T variant identified in PALB2 has previously been reported in multiple individuals affected with breast cancer [PMID: 18446436, 26541979, 26720728, 28724667, 28825143, 33646313, 32339256]. The variant has been deposited in ClinVar [ClinVar ID: 126767] as Pathogenic by multiple submitters. The c.751C>T variant is observed in 3 alleles (0.0003% minor allele frequency with 0 homozygotes) in population databases (gnomAD v2.1.1 and v3.1.2, TOPMed Freeze 8, All of Us), suggesting it is not a common benign variant in the populations represented in those databases. The c.751C>T variant is located in exon 4 of this 13-exon gene, predicted to incorporate a premature termination codon (p.(Gln251Ter)), and is expected to result in loss-of-function via nonsense-mediated decay. Multiple loss-of-function variants downstream to the c.751C>T variant have been reported in the literature and ClinVar in individuals with familial breast cancer. Based on available evidence this inherited c.751C>T p.(Gln251Ter) variant identified in PALB2 is classified as Pathogenic.

Sema4
Classification: Pathogenic for Hereditary cancer-predisposing syndrome. Last evaluated: 2021-05-19. Review status: criteria provided, single submitter. Criteria: Sema4 Curation Guidelines. Collection method: curation. Allele origin: germline.
Comment: The PALB2 c.751C>T (p.Q251X) variant has been reported in heterozygosity in at least 13 individuals with breast or ovarian cancer (PMID: 26720728, 28724667, 30720863). This nonsense variant creates a premature stop codon at residue 251 of the PALB2 protein. Loss of function variants in PALB2 are known to be pathogenic (PMID: 17200668, 24136930, 25099575). This variant is not reported in the population database Genome Aggregation Database (PMID: 32461654). This variant has been reported in ClinVar (Variation ID: 126767). Based on the current evidence available, this variant is interpreted as pathogenic.

Department of Pathology and Laboratory Medicine, Sinai Health System
Classification: Pathogenic for Fanconi anemia complementation group N; Pancreatic cancer, susceptibility to, 3; Breast-ovarian cancer, familial, susceptibility to, 5. Last evaluated: 2020-02-06. Review status: criteria provided, single submitter. Criteria: ACMG Guidelines, 2015. Collection method: clinical testing. Allele origin: germline. Affected: no.

Institute of Human Genetics, University of Leipzig Medical Center
Classification: Pathogenic for Familial cancer of breast. Last evaluated: 2019-10-30. Review status: criteria provided, single submitter. Criteria: ACMG Guidelines, 2015. Collection method: clinical testing. Allele origin: germline. Affected: yes.

NM_024675.4(PALB2):c.751C>T (p.Gln251Ter)

Gene: PALB2 (partner and localizer of BRCA2; minus strand). Cytogenetic location: 16p12.2.
Variant type: single nucleotide variant.
Coding change: c.751C>T on transcript NM_024675.4 (MANE Select); coding-DNA position 751, C replaced by T.
Protein change: p.Gln251Ter; replaces glutamine 251 with a stop codon.
Molecular consequence: nonsense.
Genome position (GRCh38, 1-based): chr16:23,635,795, G>A on the plus strand (C>T on the coding strand, the complement: PALB2 is on the minus strand). VCF-style: chr16-23635795-G-A. GRCh37 (hg19) VCF-style: chr16-23647116-G-A.
Other names: short protein forms Q251*.
Identifiers: ClinVar variation 126767 (VCV000126767.39), dbSNP rs180177091, ClinGen allele CA269645.